The following is an entry in ClinVar:

NM_003126.4(SPTA1):c.551T>G (p.Val184Gly)

Gene: SPTA1 (spectrin alpha, erythrocytic 1; minus strand). Cytogenetic location: 1q23.1.
Variant type: single nucleotide variant.
Coding change: c.551T>G on transcript NM_003126.4 (MANE Select); coding-DNA position 551, T replaced by G.
Protein change: p.Val184Gly; replaces valine 184 with glycine.
Molecular consequence: missense variant.
Genome position (GRCh38, 1-based): chr1:158,680,710, A>C on the plus strand (T>G on the coding strand, the complement: SPTA1 is on the minus strand). VCF-style: chr1-158680710-A-C. GRCh37 (hg19) VCF-style: chr1-158650500-A-C.
Other names: short protein forms V184G.
Identifiers: ClinVar variation 876011 (VCV000876011.7), dbSNP rs746827368, ClinGen allele CA1184099.

ClinVar aggregate classification (germline): Conflicting classifications of pathogenicity. Review status: criteria provided, conflicting classifications (1 of 4 stars). 5 submissions from 3 submitters: Uncertain significance (4); Likely benign (1). Last evaluated 2023-11-22.

Conditions:
Hereditary spherocytosis type 3. Also called: SPTA1-Related Spherocytosis; Spherocytosis type 3. Identifiers: Orphanet 822, MedGen C2678338, MONDO:0010053, OMIM 270970.
Elliptocytosis 2 (EL2). Also called: ELLIPTOCYTOSIS, RHESUS-UNLINKED TYPE. Identifiers: Orphanet 288, MedGen C1851741, MONDO:0007533, OMIM 130600.
Pyropoikilocytosis, hereditary. Also called: Pyropoikilocytosis. Identifiers: MedGen C0520739, MONDO:0009948, OMIM 266140, HP:0004839. Disease mechanism: loss of function.

Allele frequency attached by ClinVar (database versions not stated): gnomAD 0.00001 and 0.00007; TOPMed 0.00002; ExAC 0.00021.
gnomAD v4.1: 257 of 1,613,752 alleles (0.016%); highest among the groups gnomAD compares: East Asian, 0.56%; 1 homozygote.

Submissions (5):

ARUP Laboratories, Molecular Genetics and Genomics, ARUP Laboratories
Classification: Uncertain significance. Last evaluated: 2023-11-22. Review status: criteria provided, single submitter. Criteria: ARUP Molecular Germline Variant Investigation Process 2024. Collection method: clinical testing. Allele origin: germline.

Ambry Genetics
Classification: Uncertain significance. Last evaluated: 2023-06-23. Review status: criteria provided, single submitter. Criteria: Ambry Variant Classification Scheme 2023. Collection method: clinical testing. Allele origin: germline.

Illumina Laboratory Services, Illumina
Classification: Uncertain significance for Pyropoikilocytosis, hereditary. Last evaluated: 2018-01-13. Review status: criteria provided, single submitter. Criteria: ICSL Variant Classification Criteria 13 December 2019. Collection method: clinical testing. Allele origin: germline.

Illumina Laboratory Services, Illumina
Classification: Likely benign for Elliptocytosis 2. Last evaluated: 2018-01-13. Review status: criteria provided, single submitter. Criteria: ICSL Variant Classification Criteria 13 December 2019. Collection method: clinical testing. Allele origin: germline.
Comment: This variant was observed in the ICSL laboratory as part of a predisposition screen in an ostensibly healthy population. It had not been previously curated by ICSL or reported in the Human Gene Mutation Database (HGMD: prior to June 1st, 2018), and was therefore a candidate for classification through an automated scoring system. Utilizing variant allele frequency, disease prevalence and penetrance estimates, and inheritance mode, an automated score was calculated to assess if this variant is too frequent to cause the disease. Based on the score and internal cut-off values, a variant classified as likely benign is not then subjected to further curation. The score for this variant resulted in a classification of likely benign for this disease.

Illumina Laboratory Services, Illumina
Classification: Uncertain significance for Hereditary spherocytosis type 3. Last evaluated: 2018-01-13. Review status: criteria provided, single submitter. Criteria: ICSL Variant Classification Criteria 13 December 2019. Collection method: clinical testing. Allele origin: germline.